The following is an entry in ClinVar:

ClinVar aggregate classification (germline): Uncertain significance. Review status: criteria provided, multiple submitters, no conflicts (2 of 4 stars). 2 submissions from 2 submitters: Uncertain significance (2). Last evaluated 2025-04-04.

Conditions:
PCDH15-related disorder. Also called: PCDH15-related disorders; PCDH15-related condition.

gnomAD v4.1: 74 of 1,613,804 alleles (0.0046%); highest among the groups gnomAD compares: Middle Eastern, 0.016%; 1 homozygote.

Submissions (2):

PreventionGenetics, part of Exact Sciences
Classification: Uncertain significance for PCDH15-related condition. Last evaluated: 2025-04-04. Review status: criteria provided, single submitter. Criteria: ACMG Guidelines, 2015. Collection method: clinical testing. Allele origin: germline.
Comment: The PCDH15 c.4781G>A variant is predicted to result in the amino acid substitution p.Arg1594His. This variant is post-coding in the main transcript NM_033056:c.*14903G>A and in the biologically relevant transcript NM_001142769:c.*1737G>A. To our knowledge, this variant has not been reported in the literature. This variant is reported in 0.044% of alleles in individuals of European (Finnish) descent in gnomAD. At this time, the clinical significance of this variant is uncertain due to the absence of conclusive functional and genetic evidence.

Blueprint Genetics
Classification: Uncertain significance. Last evaluated: 2023-02-14. Review status: criteria provided, single submitter. Criteria: ACMG Guidelines, 2015. Collection method: clinical testing. Allele origin: germline.

NM_001384140.1(PCDH15):c.4847G>A (p.Arg1616His)

Gene: PCDH15 (protocadherin related 15; minus strand). Cytogenetic location: 10q21.1.
Variant type: single nucleotide variant.
Coding change: c.4847G>A on transcript NM_001384140.1 (MANE Select); coding-DNA position 4847, G replaced by A.
Protein change: p.Arg1616His; replaces arginine 1616 with histidine.
Molecular consequence: missense variant.
Genome position (GRCh38, 1-based): chr10:53,806,955, C>T on the plus strand (G>A on the coding strand, the complement: PCDH15 is on the minus strand). VCF-style: chr10-53806955-C-T. GRCh37 (hg19) VCF-style: chr10-55566715-C-T.
Other names: c.4781G>A (NM_001354429.1); c.4673G>A, p.Arg1558His (NM_001142771.2); c.4658G>A, p.Arg1553His (NM_001142772.2); c.4652G>A, p.Arg1551His (NM_001354420.2); c.4781G>A, p.Arg1594His (NM_001354429.2); short protein forms R1616H, R1551H, R1558H, R1553H, R1594H.
Identifiers: ClinVar variation 4907332 (VCV004907332.2).